The following is an entry in ClinVar:

NM_000338.3(SLC12A1):c.2194A>G (p.Met732Val)

Gene: SLC12A1 (solute carrier family 12 member 1; plus strand). Cytogenetic location: 15q21.1.
Variant type: single nucleotide variant.
Coding change: c.2194A>G on transcript NM_000338.3 (MANE Select); coding-DNA position 2194, A replaced by G.
Protein change: p.Met732Val; replaces methionine 732 with valine.
Molecular consequence: missense variant.
Genome position (GRCh38, 1-based): chr15:48,267,600, A>G. VCF-style: chr15-48267600-A-G. GRCh37 (hg19) VCF-style: chr15-48559797-A-G.
Other names: c.2194A>G, p.Met732Val (NM_001184832.2, NM_001384136.1); short protein forms M732V.
Identifiers: ClinVar variation 1443908 (VCV001443908.6), dbSNP rs2141087500, ClinGen allele CA392315036.

ClinVar aggregate classification (germline): Uncertain significance (1 of 4 stars; one submission).

Submission:

Labcorp Genetics (formerly Invitae), Labcorp
Classification: Uncertain significance. Last evaluated: 2021-10-20. Review status: criteria provided, single submitter. Criteria: Invitae Variant Classification Sherloc (09022015). Collection method: clinical testing. Allele origin: germline.
Comment: In summary, the available evidence is currently insufficient to determine the role of this variant in disease. Therefore, it has been classified as a Variant of Uncertain Significance. Algorithms developed to predict the effect of missense changes on protein structure and function (SIFT, PolyPhen-2, Align-GVGD) all suggest that this variant is likely to be tolerated. This variant has not been reported in the literature in individuals affected with SLC12A1-related conditions. This variant is not present in population databases (ExAC no frequency). This sequence change replaces methionine with valine at codon 732 of the SLC12A1 protein (p.Met732Val). The methionine residue is highly conserved and there is a small physicochemical difference between methionine and valine.